The following is an entry in ClinVar:

ClinVar aggregate classification (germline): Uncertain significance (1 of 4 stars; one submission).

Allele frequency attached by ClinVar (database versions not stated): gnomAD 0.00001; TOPMed 0.00002.
gnomAD v4.1: 3 of 1,604,036 alleles (0.00019%); highest among the groups gnomAD compares: Admixed American, 0.0017%; no homozygotes.

Submission:

Labcorp Genetics (formerly Invitae), Labcorp
Classification: Uncertain significance. Last evaluated: 2024-02-17. Review status: criteria provided, single submitter. Criteria: Invitae Variant Classification Sherloc (09022015). Collection method: clinical testing. Allele origin: germline.
Comment: This sequence change replaces arginine, which is basic and polar, with histidine, which is basic and polar, at codon 314 of the MAP3K20 protein (p.Arg314His). This variant is not present in population databases (gnomAD no frequency). This variant has not been reported in the literature in individuals affected with MAP3K20-related conditions. ClinVar contains an entry for this variant (Variation ID: 1505414). Advanced modeling of protein sequence and biophysical properties (such as structural, functional, and spatial information, amino acid conservation, physicochemical variation, residue mobility, and thermodynamic stability) performed at Invitae indicates that this missense variant is not expected to disrupt MAP3K20 protein function with a negative predictive value of 95%. In summary, the available evidence is currently insufficient to determine the role of this variant in disease. Therefore, it has been classified as a Variant of Uncertain Significance.

NM_016653.3(MAP3K20):c.941G>A (p.Arg314His)

Genes: MAP3K20 (mitogen-activated protein kinase kinase kinase 20; plus strand), MAP3K20-AS1 (MAP3K20 antisense RNA 1; minus strand). Cytogenetic location: 2q31.1.
Variant type: single nucleotide variant.
Coding change: c.941G>A on transcript NM_016653.3 (MANE Select); coding-DNA position 941, G replaced by A.
Protein change: p.Arg314His; replaces arginine 314 with histidine.
Molecular consequence: missense variant.
Genome position (GRCh38, 1-based): chr2:173,217,204, G>A. VCF-style: chr2-173217204-G-A. GRCh37 (hg19) VCF-style: chr2-174081932-G-A.
Other names: c.941G>A, p.Arg314His (NM_133646.3); short protein forms R314H.
Identifiers: ClinVar variation 1505414 (VCV001505414.5), dbSNP rs1412201270, ClinGen allele CA349314255.